The following is an entry in ClinVar:

NM_001256071.3(RNF213):c.2089G>A (p.Val697Ile)

Gene: RNF213 (ring finger protein 213; plus strand). Cytogenetic location: 17q25.3.
Variant type: single nucleotide variant.
Coding change: c.2089G>A on transcript NM_001256071.3 (MANE Select); coding-DNA position 2089, G replaced by A.
Protein change: p.Val697Ile; replaces valine 697 with isoleucine.
Molecular consequence: missense variant.
Genome position (GRCh38, 1-based): chr17:80,298,397, G>A. VCF-style: chr17-80298397-G-A. GRCh37 (hg19) VCF-style: chr17-78272197-G-A.
Other names: c.2236G>A, p.Val746Ile (NM_001410195.1, NM_020914.5); c.2089G>A, p.Val697Ile (NM_020954.4); short protein forms V697I, V746I.
Identifiers: ClinVar variation 4704349 (VCV004704349.1).

ClinVar aggregate classification (germline): Uncertain significance (1 of 4 stars; one submission).

gnomAD v4.1: 6 of 1,614,204 alleles (0.00037%); highest among the groups gnomAD compares: Non-Finnish European, 0.00051%; no homozygotes.

Submission:

Labcorp Genetics (formerly Invitae), Labcorp
Classification: Uncertain significance. Last evaluated: 2025-08-05. Review status: criteria provided, single submitter. Criteria: Invitae Variant Classification Sherloc (09022015). Collection method: clinical testing. Allele origin: germline.
Comment: This sequence change replaces valine, which is neutral and non-polar, with isoleucine, which is neutral and non-polar, at codon 697 of the RNF213 protein (p.Val697Ile). This variant is not present in population databases (gnomAD no frequency). This variant has not been reported in the literature in individuals affected with RNF213-related conditions. Invitae Evidence Modeling of protein sequence and biophysical properties (such as structural, functional, and spatial information, amino acid conservation, physicochemical variation, residue mobility, and thermodynamic stability) indicates that this missense variant is not expected to disrupt RNF213 protein function with a negative predictive value of 95%. In summary, the available evidence is currently insufficient to determine the role of this variant in disease. Therefore, it has been classified as a Variant of Uncertain Significance.